The following is an entry in ClinVar:

ClinVar aggregate classification (germline): Benign/Likely benign. Review status: criteria provided, multiple submitters, no conflicts (2 of 4 stars). 5 submissions from 5 submitters: Benign (4); Likely benign (1). Last evaluated 2026-02-04.

Conditions:
Jeune thoracic dystrophy. Also called: Short-rib thoracic dysplasia; Jeune syndrome; Infantile thoracic dystrophy; Thoracic pelvic phalangeal dystrophy; Jeune's syndrome; Chondroectodermal dysplasia-like syndrome. Identifiers: Orphanet 474, MedGen C0265275, MONDO:0018770.
Asphyxiating thoracic dystrophy 3. Also called: SHORT-RIB THORACIC DYSPLASIA 3 WITH OR WITHOUT POLYDACTYLY; POLYDACTYLY WITH NEONATAL CHONDRODYSTROPHY, TYPE I; SHORT-RIB THORACIC DYSPLASIA 3/6 WITH POLYDACTYLY, DIGENIC; Short rib polydactyly syndrome 2B; Saldino-Noonan Syndrome. Identifiers: Orphanet 474, Orphanet 93269, Orphanet 93270, Orphanet 93271, MedGen C0036069, MONDO:0013127, OMIM 613091.

Allele frequency attached by ClinVar (database versions not stated): gnomAD exomes 0.00056 and 0.00153; ExAC 0.00194; 1000 Genomes Project 0.00519; gnomAD 0.00583 and 0.00632; 1000 Genomes Project 30x 0.00609; ESP Exome Variant Server 0.00680; TOPMed 0.00690.
gnomAD v4.1: 1,736 of 1,610,868 alleles (0.11%); highest among the groups gnomAD compares: African/African-American, 2%; 12 homozygotes.

Submissions (5):

Labcorp Genetics (formerly Invitae), Labcorp
Classification: Benign for Jeune thoracic dystrophy. Last evaluated: 2026-02-04. Review status: criteria provided, single submitter. Criteria: Invitae Variant Classification Sherloc (09022015). Collection method: clinical testing. Allele origin: germline.

Mayo Clinic Laboratories, Mayo Clinic
Classification: Likely benign. Last evaluated: 2025-04-21. Review status: criteria provided, single submitter. Criteria: ACMG Guidelines, 2015. Collection method: clinical testing. Allele origin: germline. Observed: 1 variant allele.
Comment: BS1, BP4_moderate

ARUP Laboratories, Molecular Genetics and Genomics, ARUP Laboratories
Classification: Benign for Asphyxiating thoracic dystrophy 3. Last evaluated: 2020-08-24. Review status: criteria provided, single submitter. Criteria: ARUP Molecular Germline Variant Investigation Process. Collection method: clinical testing. Allele origin: germline.

GeneDx
Classification: Benign. Last evaluated: 2017-03-29. Review status: criteria provided, single submitter. Criteria: GeneDx Variant Classification (06012015). Collection method: clinical testing. Allele origin: germline. Affected: yes.
Comment: This variant is considered likely benign or benign based on one or more of the following criteria: it is a conservative change, it occurs at a poorly conserved position in the protein, it is predicted to be benign by multiple in silico algorithms, and/or has population frequency not consistent with disease.

Breakthrough Genomics
Classification: Benign. Review status: criteria provided, single submitter. Criteria: ACMG Guidelines, 2015. Collection method: not provided. Allele origin: germline. Inheritance: Autosomal recessive inheritance. Affected: yes.

NM_001377.3(DYNC2H1):c.7198A>G (p.Ile2400Val)

Gene: DYNC2H1 (dynein cytoplasmic 2 heavy chain 1; plus strand). Cytogenetic location: 11q22.3.
Variant type: single nucleotide variant.
Coding change: c.7198A>G on transcript NM_001377.3 (MANE Select); coding-DNA position 7198, A replaced by G.
Protein change: p.Ile2400Val; replaces isoleucine 2400 with valine.
Molecular consequence: missense variant.
Genome position (GRCh38, 1-based): chr11:103,188,554, A>G. VCF-style: chr11-103188554-A-G. GRCh37 (hg19) VCF-style: chr11-103059283-A-G.
Other names: p.Ile2400Val; c.7198A>G, p.Ile2400Val (NM_001080463.2); short protein forms I2400V.
Identifiers: ClinVar variation 220053 (VCV000220053.19), dbSNP rs114292876, ClinGen allele CA348285.